The following is an entry in ClinVar:

ClinVar aggregate classification (germline): Uncertain significance (1 of 4 stars; one submission).

Submission:

CeGaT Center for Human Genetics Tuebingen
Classification: Uncertain significance. Last evaluated: 2022-10-01. Review status: criteria provided, single submitter. Criteria: CeGaT Center For Human Genetics Tuebingen Variant Classification Criteria Version 2. Collection method: clinical testing. Allele origin: germline. Affected: yes. Observed: 1 variant allele.
Comment: CDK16: PM2, BP4

NM_006201.5(CDK16):c.1284+3GA[3]

Gene: CDK16 (cyclin dependent kinase 16; plus strand). Cytogenetic location: Xp11.3.
Variant type: Microsatellite.
Coding change: c.1284+3GA[3] on transcript NM_006201.5 (MANE Select); three copies in a row of the 2-base unit GA starting at c.1284+3; the reference has two copies in a row; one copy, 2 bases duplicated.
Molecular consequence: intron variant.
Genome position (GRCh38, 1-based): chrX:47,227,228-47,227,229, GA duplicated; duplicating any 2 consecutive bases within chrX:47,227,226-47,227,229 gives the same sequence; the position shown is the placement nearest the transcript's 3' end. VCF-style (leftmost placement, unchanged base first): chrX-47227225-T-TGA. GRCh37 (hg19) VCF-style: chrX-47086624-T-TGA.
Other names: c.1302+3GA[3] (NM_033018.4); c.1506+3GA[3] (NM_001170460.2).
Identifiers: ClinVar variation 2660416 (VCV002660416.24), dbSNP rs1232291811, ClinGen allele CA875812993.
Genomic context (GRCh38, chrX:47,227,225, plus strand): 5'-TTTGTCCTTGTGGCAGACTTGATAGCGACGGGGCCGACCTCCTCACCAAGCTGTTGCAGG[T>TGA]GAGACCACCTTGGGTCAGCCTTGGGGGTATGGGATTCCAAGTGTGGGGAAACAGGGACCC-3'